The following is an entry in ClinVar:

ClinVar aggregate classification (germline): Uncertain significance (1 of 4 stars; one submission).

Conditions:
EIF4A2-related disorder. Also called: EIF4A2-related condition.

Submission:

PreventionGenetics, part of Exact Sciences
Classification: Uncertain significance for EIF4A2-related condition. Last evaluated: 2026-06-06. Review status: criteria provided, single submitter. Criteria: ACMG Guidelines, 2015. Collection method: clinical testing. Allele origin: germline.
Comment: The EIF4A2 c.805_815del11 variant is predicted to result in a frameshift and premature protein termination (p.Glu269Hisfs*19). To our knowledge, this variant has not been reported in the literature or in a large population database (gnomAD), indicating this variant is rare. Although we suspect that this variant may be pathogenic, at this time, the clinical significance of this variant is uncertain due to the absence of conclusive functional and genetic evidence.

NM_001967.4(EIF4A2):c.805_815del (p.Glu269fs)

Gene: EIF4A2 (eukaryotic translation initiation factor 4A2; plus strand). Cytogenetic location: 3q27.3.
Variant type: Deletion.
Coding change: c.805_815del on transcript NM_001967.4 (MANE Select); coding-DNA positions 805 to 815, 11 bases deleted (GAGACACTGAC).
Protein change: p.Glu269fs; shifts the reading frame from glutamic acid 269.
Molecular consequence: frameshift variant.
Genome position (GRCh38, 1-based): chr3:186,787,160-186,787,170, GAGACACTGAC deleted; deleting any 11 consecutive bases within chr3:186,787,158-186,787,170 gives the same sequence; the c. name uses the placement nearest the transcript's 3' end. VCF-style (leftmost placement, unchanged base first): chr3-186787157-TACGAGACACTG-T. GRCh37 (hg19) VCF-style: chr3-186504946-TACGAGACACTG-T.
Other names: short protein forms E269fs.
Identifiers: ClinVar variation 4982835 (VCV004982835.1).